The following is an entry in ClinVar:

NM_014699.4(ZNF646):c.3745C>T (p.Arg1249Trp)

Gene: ZNF646 (zinc finger protein 646; plus strand). Cytogenetic location: 16p11.2.
Variant type: single nucleotide variant.
Coding change: c.3745C>T on transcript NM_014699.4 (MANE Select); coding-DNA position 3745, C replaced by T.
Protein change: p.Arg1249Trp; replaces arginine 1249 with tryptophan.
Molecular consequence: missense variant.
Genome position (GRCh38, 1-based): chr16:31,080,069, C>T. VCF-style: chr16-31080069-C-T. GRCh37 (hg19) VCF-style: chr16-31091390-C-T.
Other names: short protein forms R1249W.
Identifiers: ClinVar variation 2646464 (VCV002646464.24), dbSNP rs35376811, ClinGen allele CA8020089.

ClinVar aggregate classification (germline): Likely benign (1 of 4 stars; one submission).

Allele frequency attached by ClinVar (database versions not stated): 1000 Genomes Project 0.00160; 1000 Genomes Project 30x 0.00219; TOPMed 0.00465; gnomAD 0.00466; ExAC 0.00536; ESP Exome Variant Server 0.00593.
gnomAD v4.1: 10,264 of 1,612,642 alleles (0.64%); highest among the groups gnomAD compares: Non-Finnish European, 0.81%; 59 homozygotes.

Submission:

CeGaT Center for Human Genetics Tuebingen
Classification: Likely benign. Last evaluated: 2023-04-01. Review status: criteria provided, single submitter. Criteria: CeGaT Center For Human Genetics Tuebingen Variant Classification Criteria Version 2. Collection method: clinical testing. Allele origin: germline. Affected: yes. Observed: 1 variant allele.
Comment: ZNF646: BS2